The following is an entry in ClinVar:

NM_201548.5(CERKL):c.237_238+13del

Genes: CERKL (CERK like autophagy regulator; minus strand), LOC129935214 (ATAC-STARR-seq lymphoblastoid silent region 12157; plus strand). Cytogenetic location: 2q31.3.
Variant type: Deletion.
Coding change: c.237_238+13del on transcript NM_201548.5 (MANE Select); coding-DNA position 237 through 13 bases into the intron after coding-DNA position 238, 15 bases deleted (GGGTGAGTGCCCGGC).
Molecular consequence: splice donor variant.
Genome position (GRCh38, 1-based): chr2:181,656,756-181,656,770, GCCGGGCACTCACCC deleted on the plus strand (GGGTGAGTGCCCGGC on the coding strand, the reverse complement: CERKL is on the minus strand); deleting any 15 consecutive bases within chr2:181,656,756-181,656,777 gives the same sequence; the c. name uses the placement nearest the transcript's 3' end. VCF-style (leftmost placement, unchanged base first): chr2-181656755-GGCCGGGCACTCACCC-G. GRCh37 (hg19) VCF-style: chr2-182521482-GGCCGGGCACTCACCC-G.
Other names: NC_000002.11:g.182521490_182521504del; NP_963842.1:p.?; c.237_238+13del (NM_001030312.3, NM_001160277.2, NM_001030313.3 and 1 more transcripts); c.237_238+13delGGGTGAGTGCCCGGC (NM_001030311.2).
Identifiers: ClinVar variation 844031 (VCV000844031.18), dbSNP rs746128841, ClinGen allele CA2010906.

ClinVar aggregate classification (germline): Pathogenic/Likely pathogenic. Review status: criteria provided, multiple submitters, no conflicts (2 of 4 stars). 10 submissions from 10 submitters: Pathogenic (6); Likely pathogenic (4). Last evaluated 2026-01-23.

Conditions:
CERKL-related disorders.
Retinal dystrophy. Also called: Inherited retinal dystrophy. Identifiers: Orphanet 71862, MedGen C0854723, MeSH D058499, MONDO:0019118, HP:0000556.
Cone-rod dystrophy. Also called: Cone-rod degeneration; Cone/cone-rod dystrophy. Identifiers: Orphanet 1872, MedGen C4085590, MONDO:0015993, HP:0000548.
Retinitis pigmentosa 26 (RP26). Identifiers: Orphanet 791, MedGen C1842127, MONDO:0012024, OMIM 608380.

Submissions (10):

OLLIN Analises Genomicas, OLLIN
Classification: Pathogenic for Retinitis pigmentosa 26. Last evaluated: 2026-01-23. Review status: criteria provided, single submitter. Criteria: ACMG Guidelines 2015 PMID 25741868. Collection method: clinical testing. Allele origin: germline. Affected: yes. Observed: 1 variant allele.
Comment: The variant present in the canonical splicing site (splice donor) (chr2:181656755GGCCGGGCACTCACCC>G), located in intron 1 (of 13 exons), is reported in ClinVar (VCV000844031.15), in gnomAD v4.1 non-UKB with an allele frequency of 0.0012%, and in the scientific literature in individuals with retinal dystrophy (PMID: 36909829). This variant is predicted to disrupt the canonical splice site, resulting in a truncated protein, or in mRNA degradation via NMD or exon skipping. According to currently available evidence, this variant has been classified as pathogenic (PVS1, PM2_P, PM3_P).

Labcorp Genetics (formerly Invitae), Labcorp
Classification: Pathogenic. Last evaluated: 2025-08-12. Review status: criteria provided, single submitter. Criteria: Invitae Variant Classification Sherloc (09022015). Collection method: clinical testing. Allele origin: germline.
Comment: This variant results in the deletion of part of exon 1 (c.237_238+13del) of the CERKL gene. It is expected to disrupt RNA splicing. Variants that disrupt the donor or acceptor splice site typically lead to a loss of protein function (PMID: 16199547), and loss-of-function variants in CERKL are known to be pathogenic (PMID: 14681825, 23591405, 24043777). The frequency data for this variant in the population databases is considered unreliable, as metrics indicate poor data quality at this position in the gnomAD database. This variant has been observed in individuals with clinical features of CERKL-related conditions (internal data). ClinVar contains an entry for this variant (Variation ID: 844031). For these reasons, this variant has been classified as Pathogenic.

Natera, Inc.
Classification: Pathogenic for Retinitis Pigmentosa 26. Last evaluated: 2025-03-04. Review status: criteria provided, single submitter. Criteria: Natera Variant Classification Schema (03/2026). Collection method: clinical testing. Allele origin: germline.
Comment: The c.237_238+13delGGGTGAGTGCCCGGC variant in CERKL is a deletion affecting a canonical splice donor site. This variant is expected to result in nonsense mediated decay, truncation, or a dysfunctional protein product. This variant is rare in the general population with a frequency below the threshold expected for the associated phenotype(s). This variant has been observed in one or more individuals affected with the associated recessive disease, as either homozygous or compound heterozygous with a second variant (PMID: 34906470). Given the available evidence, this variant is classified as Pathogenic.

Fulgent Genetics
Classification: Likely pathogenic for Retinitis pigmentosa 26. Last evaluated: 2024-06-05. Review status: criteria provided, single submitter. Criteria: ACMG Guidelines, 2015. Collection method: clinical testing. Allele origin: germline.

Baylor Genetics
Classification: Likely pathogenic for Retinitis pigmentosa 26. Last evaluated: 2024-03-28. Review status: criteria provided, single submitter. Criteria: ACMG Guidelines, 2015. Collection method: clinical testing. Allele origin: unknown.

Ophthalmic Genetics Group, Institute of Molecular and Clinical Ophthalmology Basel
Classification: Pathogenic for Cone-rod dystrophy. Last evaluated: 2023-07-24. Review status: criteria provided, single submitter. Criteria: ACMG Guidelines, 2015. Collection method: research. Allele origin: germline. Affected: yes. Observed: 1 variant allele.
Comment: Clinical significance based on ACMG v2.0

This variant was classified as Pathogenic based on ACMG criteria: PVS1, PM2, PP5.

Blueprint Genetics
Classification: Pathogenic for CERKL-related disorders. Last evaluated: 2023-05-08. Review status: criteria provided, single submitter. Criteria: ACMG Guidelines, 2015. Collection method: clinical testing. Allele origin: germline. Affected: yes. Observed: 4 variant alleles.

Institute of Medical Genetics and Applied Genomics, University Hospital Tübingen
Classification: Likely pathogenic for Retinitis pigmentosa 26. Last evaluated: 2023-03-13. Review status: criteria provided, single submitter. Criteria: ACMG Guidelines, 2015. Collection method: clinical testing. Allele origin: germline. Inheritance: Autosomal recessive inheritance. Affected: yes.

Institute of Human Genetics, Univ. Regensburg, Univ. Regensburg
Classification: Pathogenic for Retinal dystrophy. Last evaluated: 2023-01-01. Review status: criteria provided, single submitter. Criteria: ACMG Guidelines, 2015. Collection method: clinical testing. Allele origin: germline. Affected: yes.

Ocular Genomics Institute, Massachusetts Eye and Ear
Classification: Likely pathogenic for Retinitis pigmentosa 26. Last evaluated: 2021-04-08. Review status: criteria provided, single submitter. Criteria: ACMG Guidelines, 2015. Collection method: research. Allele origin: germline. Affected: yes.
Comment: Through a review of available evidence we were able to apply the following criteria: PVS1, PM2. Based on this evidence we have classified this variant as Likely Pathogenic.

Literature cited by the submitters: PubMed 36909829 (cited by OLLIN Analises Genomicas, OLLIN and Ophthalmic Genetics Group, Institute of Molecular and Clinical Ophthalmology Basel); PubMed 16199547 (cited by Labcorp Genetics (formerly Invitae), Labcorp); PubMed 14681825 (cited by Labcorp Genetics (formerly Invitae), Labcorp); PubMed 23591405 (cited by Labcorp Genetics (formerly Invitae), Labcorp); PubMed 24043777 (cited by Labcorp Genetics (formerly Invitae), Labcorp); PubMed 34906470 (cited by Natera, Inc.); PubMed 35836572 (cited by Institute of Human Genetics, Univ. Regensburg, Univ. Regensburg); PubMed 36819107 (cited by Institute of Human Genetics, Univ. Regensburg, Univ. Regensburg).